The following is an entry in ClinVar:

NM_016247.4(IMPG2):c.84A>C (p.Thr28=)

Gene: IMPG2 (interphotoreceptor matrix proteoglycan 2; minus strand). Cytogenetic location: 3q12.3.
Variant type: single nucleotide variant.
Coding change: c.84A>C on transcript NM_016247.4 (MANE Select); coding-DNA position 84, A replaced by C.
Protein change: p.Thr28=; no amino-acid change (threonine 28 retained).
Molecular consequence: synonymous variant.
Genome position (GRCh38, 1-based): chr3:101,320,289, T>G on the plus strand (A>C on the coding strand, the complement: IMPG2 is on the minus strand). VCF-style: chr3-101320289-T-G. GRCh37 (hg19) VCF-style: chr3-101039133-T-G.
Identifiers: ClinVar variation 5006517 (VCV005006517.2).

ClinVar aggregate classification (germline): Uncertain significance (1 of 4 stars; one submission).

Conditions:
Vitelliform macular dystrophy 5. Identifiers: Orphanet 99000, MedGen C4015343, MONDO:0014509, OMIM 616152.
Retinitis pigmentosa 56 (RP56). Identifiers: Orphanet 791, MedGen C3150819, MONDO:0013314, OMIM 613581.

Submission:

Juno Genomics, Hangzhou Juno Genomics, Inc
Classification: Uncertain significance for Vitelliform macular dystrophy 5; Retinitis pigmentosa 56. Review status: criteria provided, single submitter. Criteria: ACMG Guidelines, 2015. Collection method: clinical testing. Allele origin: germline.
Comment: Absent from controls (or at extremely low frequency if recessive) in Genome Aggregation Database.;Multiple lines of computational evidence support a deleterious effect on the gene or gene product.